The following is an entry in ClinVar:

NM_000535.7(PMS2):c.486A>C (p.Leu162Phe)

Gene: PMS2 (PMS1 homolog 2, mismatch repair system component; minus strand). Cytogenetic location: 7p22.1.
Variant type: single nucleotide variant.
Coding change: c.486A>C on transcript NM_000535.7 (MANE Select); coding-DNA position 486, A replaced by C.
Protein change: p.Leu162Phe; replaces leucine 162 with phenylalanine.
Molecular consequence: missense variant. On other transcripts: 5 prime UTR variant (2), non-coding transcript variant (1).
Genome position (GRCh38, 1-based): chr7:6,002,504, T>G on the plus strand (A>C on the coding strand, the complement: PMS2 is on the minus strand). VCF-style: chr7-6002504-T-G. GRCh37 (hg19) VCF-style: chr7-6042135-T-G.
Other names: c.81A>C, p.Leu27Phe (NM_001322003.2, NM_001322004.2, NM_001322005.2 and 3 more transcripts); c.486A>C, p.Leu162Phe (NM_001322006.2, NM_001322014.2); c.168A>C, p.Leu56Phe (NM_001322007.2, NM_001322008.2); c.-399A>C (NM_001322011.2, NM_001322012.2); c.177A>C, p.Leu59Phe (NM_001322015.2); short protein forms L162F, L27F, L56F, L59F.
Identifiers: ClinVar variation 1018940 (VCV001018940.12), dbSNP rs1479722146, ClinGen allele CA366744256.

ClinVar aggregate classification (germline): Uncertain significance. Review status: criteria provided, multiple submitters, no conflicts (2 of 4 stars). 3 submissions from 3 submitters: Uncertain significance (3). Last evaluated 2025-05-19.

Conditions:
Hereditary nonpolyposis colorectal neoplasms. Identifiers: MedGen C0009405, MeSH D003123.
Hereditary cancer-predisposing syndrome. Also called: Tumor predisposition; Neoplastic Syndromes, Hereditary; Hereditary neoplastic syndrome; Hereditary Cancer Syndrome. Identifiers: Orphanet 140162, MedGen C0027672, MeSH D009386, MONDO:0015356.
Lynch syndrome 4 (LYNCH4). Also called: Hereditary non-polyposis colorectal cancer, type 4; Colorectal cancer, hereditary nonpolyposis, type 4. Identifiers: Orphanet 144, MedGen C1838333, MONDO:0013699, OMIM 614337. Disease mechanism: loss of function.

Allele frequency attached by ClinVar (database versions not stated): TOPMed below 0.00001.
gnomAD v4.1: 1 of 1,611,702 alleles (0.000062%); highest among the groups gnomAD compares: South Asian, 0.0011%; no homozygotes.

Submissions (3):

Labcorp Genetics (formerly Invitae), Labcorp
Classification: Uncertain significance for Hereditary nonpolyposis colorectal neoplasms. Last evaluated: 2025-05-19. Review status: criteria provided, single submitter. Criteria: Invitae Variant Classification Sherloc (09022015). Collection method: clinical testing. Allele origin: germline.
Comment: This sequence change replaces leucine, which is neutral and non-polar, with phenylalanine, which is neutral and non-polar, at codon 162 of the PMS2 protein (p.Leu162Phe). This variant is not present in population databases (gnomAD no frequency). This variant has not been reported in the literature in individuals affected with PMS2-related conditions. ClinVar contains an entry for this variant (Variation ID: 1018940). Invitae Evidence Modeling incorporating data from in vitro experimental studies (internal data) indicates that this missense variant is not expected to disrupt PMS2 function with a negative predictive value of 95%. In summary, the available evidence is currently insufficient to determine the role of this variant in disease. Therefore, it has been classified as a Variant of Uncertain Significance.

Baylor Genetics
Classification: Uncertain significance for Lynch syndrome 4. Last evaluated: 2024-01-08. Review status: criteria provided, single submitter. Criteria: ACMG Guidelines, 2015. Collection method: clinical testing. Allele origin: unknown.

Ambry Genetics
Classification: Uncertain significance for Hereditary cancer-predisposing syndrome. Last evaluated: 2021-11-18. Review status: criteria provided, single submitter. Criteria: Ambry Variant Classification Scheme 2023. Collection method: clinical testing. Allele origin: germline.
Comment: The p.L162F variant (also known as c.486A>C), located in coding exon 5 of the PMS2 gene, results from an A to C substitution at nucleotide position 486. The leucine at codon 162 is replaced by phenylalanine, an amino acid with highly similar properties. This amino acid position is highly conserved in available vertebrate species. In addition, this alteration is predicted to be deleterious by in silico analysis. Since supporting evidence is limited at this time, the clinical significance of this alteration remains unclear.